The following is an entry in ClinVar:

ClinVar aggregate classification (germline): Uncertain significance. Review status: criteria provided, multiple submitters, no conflicts (2 of 4 stars). 2 submissions from 2 submitters: Uncertain significance (2). Last evaluated 2024-04-25.

Conditions:
Mosaic variegated aneuploidy syndrome 2 (MVA2). Identifiers: Orphanet 1052, MedGen C3279843, MONDO:0013582, OMIM 614114.

Allele frequency attached by ClinVar (database versions not stated): gnomAD exomes below 0.00001.
gnomAD v4.1: 5 of 1,613,570 alleles (0.00031%); highest among the groups gnomAD compares: South Asian, 0.0022%; no homozygotes.

Submissions (2):

Fulgent Genetics
Classification: Uncertain significance for Mosaic variegated aneuploidy syndrome 2. Last evaluated: 2024-04-25. Review status: criteria provided, single submitter. Criteria: ACMG Guidelines, 2015. Collection method: clinical testing. Allele origin: germline.

Labcorp Genetics (formerly Invitae), Labcorp
Classification: Uncertain significance for Mosaic variegated aneuploidy syndrome 2. Last evaluated: 2020-02-26. Review status: criteria provided, single submitter. Criteria: Invitae Variant Classification Sherloc (09022015). Collection method: clinical testing. Allele origin: germline.
Comment: This sequence change falls in intron 2 of the CEP57 gene. It does not directly change the encoded amino acid sequence of the CEP57 protein, but it affects a nucleotide within the consensus splice site of the intron. This variant is not present in population databases (ExAC no frequency). This variant has not been reported in the literature in individuals with CEP57-related conditions. Nucleotide substitutions within the consensus splice site are a relatively common cause of aberrant splicing (PMID: 17576681, 9536098). Algorithms developed to predict the effect of sequence changes on RNA splicing suggest that this variant is not likely to affect RNA splicing, but this prediction has not been confirmed by published transcriptional studies. In summary, the available evidence is currently insufficient to determine the role of this variant in disease. Therefore, it has been classified as a Variant of Uncertain Significance.

Literature cited by the submitters: PubMed 17576681 (cited by Labcorp Genetics (formerly Invitae), Labcorp); PubMed 9536098 (cited by Labcorp Genetics (formerly Invitae), Labcorp).

NM_014679.5(CEP57):c.202+6C>T

Gene: CEP57 (centrosomal protein 57; plus strand). Cytogenetic location: 11q21.
Variant type: single nucleotide variant.
Coding change: c.202+6C>T on transcript NM_014679.5 (MANE Select); 6 bases into the intron after coding-DNA position 202, C replaced by T.
Molecular consequence: intron variant.
Genome position (GRCh38, 1-based): chr11:95,799,394, C>T. VCF-style: chr11-95799394-C-T. GRCh37 (hg19) VCF-style: chr11-95532558-C-T.
Other names: c.121+6C>T (NM_001363604.2); c.175+6C>T (NM_001243776.2); c.202+6C>T (NM_001243777.2).
Identifiers: ClinVar variation 1061100 (VCV001061100.10), dbSNP rs1185295732, ClinGen allele CA601194129.
Genomic context (GRCh38, chr11:95,799,394, plus strand): 5'-CTACGACGCTCCCCAAGTAAGCCTACACTTGCCTATCCAGAAAGCAACAGCAGAGGTAAT[C>T]GAGCCTAACGAAATAAATGTTATTTGTGTTTTCTTGCTGCTTTAAAATTCTTAACTTTGT-3'